The following is an entry in ClinVar:

ClinVar aggregate classification (germline): Uncertain significance (1 of 4 stars; one submission).

Conditions:
Hereditary cancer-predisposing syndrome. Also called: Neoplastic Syndromes, Hereditary; Tumor predisposition; Hereditary Cancer Syndrome; Hereditary neoplastic syndrome. Identifiers: Orphanet 140162, MedGen C0027672, MeSH D009386, MONDO:0015356.

gnomAD v4.1: 12 of 1,614,060 alleles (0.00074%); highest among the groups gnomAD compares: Non-Finnish European, 0.001%; no homozygotes.

Submission:

Ambry Genetics
Classification: Uncertain significance for Hereditary cancer-predisposing syndrome. Last evaluated: 2026-05-12. Review status: criteria provided, single submitter. Criteria: Ambry Variant Classification Scheme 2023. Collection method: clinical testing. Allele origin: germline.
Comment: The p.D954G variant (also known as c.2861A>G), located in coding exon 17 of the ALK gene, results from an A to G substitution at nucleotide position 2861. The aspartic acid at codon 954 is replaced by glycine, an amino acid with similar properties. This amino acid position is well conserved in available vertebrate species. In addition, the in silico prediction for this alteration is inconclusive. Based on the available evidence, the clinical significance of this variant remains unclear.

NM_004304.5(ALK):c.2861A>G (p.Asp954Gly)

Gene: ALK (ALK receptor tyrosine kinase; minus strand). Cytogenetic location: 2p23.2.
Variant type: single nucleotide variant.
Coding change: c.2861A>G on transcript NM_004304.5 (MANE Select); coding-DNA position 2861, A replaced by G.
Protein change: p.Asp954Gly; replaces aspartic acid 954 with glycine.
Molecular consequence: missense variant.
Genome position (GRCh38, 1-based): chr2:29,227,627, T>C on the plus strand (A>G on the coding strand, the complement: ALK is on the minus strand). VCF-style: chr2-29227627-T-C. GRCh37 (hg19) VCF-style: chr2-29450493-T-C.
Other names: short protein forms D954G.
Identifiers: ClinVar variation 4869715 (VCV004869715.1).